The following is an entry in ClinVar:

NM_213655.5(WNK1):c.3503T>A (p.Met1168Lys)

Gene: WNK1 (WNK lysine deficient protein kinase 1; plus strand). Cytogenetic location: 12p13.33.
Variant type: single nucleotide variant.
Coding change: c.3503T>A on transcript NM_213655.5 (MANE Plus Clinical); coding-DNA position 3503, T replaced by A.
Protein change: p.Met1168Lys; replaces methionine 1168 with lysine.
Molecular consequence: missense variant. On other transcripts: intron variant (2).
Genome position (GRCh38, 1-based): chr12:868,974, T>A. VCF-style: chr12-868974-T-A. GRCh37 (hg19) VCF-style: chr12-978140-T-A.
Other names: c.3248T>A, p.Met1083Lys (NM_001184985.2); c.2140-2291T>A (NM_018979.4, NM_014823.3); short protein forms M1083K, M1168K.
Identifiers: ClinVar variation 2936695 (VCV002936695.3), dbSNP rs2548806058, ClinGen allele CA383342234.
Genomic context (GRCh38, chr12:868,974, plus strand): 5'-ATTTTCAGTCACCTCCCCCTACAGGGGGAGCAGCTGCACCTTTTGGCTCTGACGTCTCAA[T>A]GCCCTTTATCCATCTGCCTCAGACAGTGTTACAAGAATCCCCACTTTTCTTCTGTTTCCC-3'
Protein context (NP_998820.3, residues 1158-1178): AAAPFGSDVS[Met1168Lys]PFIHLPQTVL

ClinVar aggregate classification (germline): Uncertain significance (1 of 4 stars; one submission).

Conditions:
Neuropathy, hereditary sensory and autonomic, type 2A (HSAN2A). Also called: ACROOSTEOLYSIS, GIACCAI TYPE; ACROOSTEOLYSIS, NEUROGENIC; MORVAN DISEASE; NEUROPATHY, CONGENITAL SENSORY; NEUROPATHY, HEREDITARY SENSORY RADICULAR, AUTOSOMAL RECESSIVE; NEUROPATHY, HEREDITARY SENSORY, TYPE IIA. Identifiers: Orphanet 970, MedGen C2752089, MONDO:0024309, OMIM 201300.
Pseudohypoaldosteronism type 2C (PHA2C). Also called: Pseudohypoaldosteronism Type IIC. Identifiers: Orphanet 757, Orphanet 88940, MedGen C1840391, MONDO:0013778, OMIM 614492.

Submission:

Labcorp Genetics (formerly Invitae), Labcorp
Classification: Uncertain significance for Neuropathy, hereditary sensory and autonomic, type 2A; Pseudohypoaldosteronism type 2C. Last evaluated: 2023-06-24. Review status: criteria provided, single submitter. Criteria: Invitae Variant Classification Sherloc (09022015). Collection method: clinical testing. Allele origin: germline.
Comment: In summary, the available evidence is currently insufficient to determine the role of this variant in disease. Therefore, it has been classified as a Variant of Uncertain Significance. Advanced modeling of protein sequence and biophysical properties (such as structural, functional, and spatial information, amino acid conservation, physicochemical variation, residue mobility, and thermodynamic stability) performed at Invitae indicates that this missense variant is not expected to disrupt WNK1 protein function. This variant has not been reported in the literature in individuals affected with WNK1-related conditions. This variant is not present in population databases (gnomAD no frequency). This sequence change replaces methionine, which is neutral and non-polar, with lysine, which is basic and polar, at codon 1168 of the WNK1 protein (p.Met1168Lys).